The following is an entry in ClinVar:

NM_014915.3(ANKRD26):c.4570A>T (p.Ser1524Cys)

Gene: ANKRD26 (ankyrin repeat domain 26; minus strand). Cytogenetic location: 10p12.1.
Variant type: single nucleotide variant.
Coding change: c.4570A>T on transcript NM_014915.3 (MANE Select); coding-DNA position 4570, A replaced by T.
Protein change: p.Ser1524Cys; replaces serine 1524 with cysteine.
Molecular consequence: missense variant.
Genome position (GRCh38, 1-based): chr10:27,014,648, T>A on the plus strand (A>T on the coding strand, the complement: ANKRD26 is on the minus strand). VCF-style: chr10-27014648-T-A. GRCh37 (hg19) VCF-style: chr10-27303577-T-A.
Other names: c.4567A>T, p.Ser1523Cys (NM_001256053.2); short protein forms S1523C, S1524C.
Identifiers: ClinVar variation 2810606 (VCV002810606.3), dbSNP rs2053229860, ClinGen allele CA376356782.
Genomic context (GRCh38, chr10:27,014,648, plus strand): 5'-GAGAAGTTTTTATTTTGGAGAGTTCAGATTCCAGATCTTTAATTCTGAGTTCCATCTGAC[T>A]TTTCATTGAAGCAAAATTATTCTCTCTAAACTGCTCTAAGTTTTCTTGAGATGCTGCTTG-3'
Protein context (NP_055730.2, residues 1514-1534): FRENNFASMK[Ser1524Cys]QMELRIKDLE

ClinVar aggregate classification (germline): Uncertain significance (1 of 4 stars; one submission).

Allele frequency attached by ClinVar (database versions not stated): gnomAD exomes below 0.00001.

Submission:

Labcorp Genetics (formerly Invitae), Labcorp
Classification: Uncertain significance. Last evaluated: 2022-11-20. Review status: criteria provided, single submitter. Criteria: Invitae Variant Classification Sherloc (09022015). Collection method: clinical testing. Allele origin: germline.
Comment: In summary, the available evidence is currently insufficient to determine the role of this variant in disease. Therefore, it has been classified as a Variant of Uncertain Significance. Algorithms developed to predict the effect of missense changes on protein structure and function are either unavailable or do not agree on the potential impact of this missense change (SIFT: "Tolerated"; PolyPhen-2: "Possibly Damaging"; Align-GVGD: "Class C0"). This variant has not been reported in the literature in individuals affected with ANKRD26-related conditions. This variant is not present in population databases (gnomAD no frequency). This sequence change replaces serine, which is neutral and polar, with cysteine, which is neutral and slightly polar, at codon 1524 of the ANKRD26 protein (p.Ser1524Cys).